The following is an entry in ClinVar:

ClinVar aggregate classification (germline): Conflicting classifications of pathogenicity. Review status: criteria provided, conflicting classifications (1 of 4 stars). 2 submissions from 2 submitters: Uncertain significance (1); Likely benign (1). Last evaluated 2024-01-21.

Conditions:
Hereditary cancer-predisposing syndrome. Also called: Tumor predisposition; Hereditary neoplastic syndrome; Neoplastic Syndromes, Hereditary; Hereditary Cancer Syndrome. Identifiers: Orphanet 140162, MedGen C0027672, MeSH D009386, MONDO:0015356.

Submissions (2):

Ambry Genetics
Classification: Likely benign for Hereditary cancer-predisposing syndrome. Last evaluated: 2024-01-21. Review status: criteria provided, single submitter. Criteria: Ambry Variant Classification Scheme 2023. Collection method: clinical testing. Allele origin: germline.

Labcorp Genetics (formerly Invitae), Labcorp
Classification: Uncertain significance. Last evaluated: 2021-02-05. Review status: criteria provided, single submitter. Criteria: Invitae Variant Classification Sherloc (09022015). Collection method: clinical testing. Allele origin: germline.
Comment: In summary, the available evidence is currently insufficient to determine the role of this variant in disease. Therefore, it has been classified as a Variant of Uncertain Significance. Advanced modeling of protein sequence and biophysical properties (such as structural, functional, and spatial information, amino acid conservation, physicochemical variation, residue mobility, and thermodynamic stability) performed at Invitae indicates that this missense variant is not expected to disrupt FH protein function. This variant has not been reported in the literature in individuals with FH-related conditions. This variant is not present in population databases (ExAC no frequency). This sequence change replaces leucine with serine at codon 22 of the FH protein (p.Leu22Ser). The leucine residue is weakly conserved and there is a large physicochemical difference between leucine and serine.

NM_000143.4(FH):c.65T>C (p.Leu22Ser)

Gene: FH (fumarate hydratase; minus strand). Cytogenetic location: 1q43.
Variant type: single nucleotide variant.
Coding change: c.65T>C on transcript NM_000143.4 (MANE Select); coding-DNA position 65, T replaced by C.
Protein change: p.Leu22Ser; replaces leucine 22 with serine.
Molecular consequence: missense variant.
Genome position (GRCh38, 1-based): chr1:241,519,658, A>G on the plus strand (T>C on the coding strand, the complement: FH is on the minus strand). VCF-style: chr1-241519658-A-G. GRCh37 (hg19) VCF-style: chr1-241682958-A-G.
Other names: c.65T>C (NM_000143.3); short protein forms L22S.
Identifiers: ClinVar variation 1493303 (VCV001493303.9), dbSNP rs1031919395, ClinGen allele CA345442869.